The following is an entry in ClinVar:

ClinVar aggregate classification (germline): Likely benign (0 of 4 stars; one submission).

Conditions:
MIR675-related disorder. Also called: MIR675-related condition.

Allele frequency attached by ClinVar (database versions not stated): 1000 Genomes Project 0.00020; ESP Exome Variant Server 0.00010; ExAC 0.00019.

Submission:

PreventionGenetics, part of Exact Sciences
Classification: Likely benign for MIR675-related condition. Last evaluated: 2019-12-17. Review status: no assertion criteria provided. Collection method: clinical testing. Allele origin: germline.
Comment: This variant is classified as likely benign based on ACMG/AMP sequence variant interpretation guidelines (Richards et al. 2015 PMID: 25741868, with internal and published modifications).

NR_030533.1(MIR675):n.60G>A

Genes: H19 (H19 imprinted maternally expressed transcript; minus strand), MIR675 (microRNA 675; minus strand), MRPL23 (mitochondrial ribosomal protein L23; plus strand). Cytogenetic location: 11p15.5.
Variant type: single nucleotide variant.
Molecular consequence: non-coding transcript variant (on NR_002196.3). On other transcripts: intron variant (1).
Genome position: GRCh38 VCF-style: chr11-1996772-C-T. GRCh37 (hg19) VCF-style: chr11-2018002-C-T.
Other names: c.498-14769C>T (NM_001400176.1).
Identifiers: ClinVar variation 3048895 (VCV003048895.2), dbSNP rs376650475, ClinGen allele CA5817471.